The following is an entry in ClinVar:

ClinVar aggregate classification (germline): Uncertain significance (0 of 4 stars; one submission).

Conditions:
LIM2-related disorder. Also called: LIM2-related condition.

gnomAD v4.1: 8 of 1,613,948 alleles (0.0005%); highest among the groups gnomAD compares: African/African-American, 0.0013%; no homozygotes.

Submission:

PreventionGenetics, part of Exact Sciences
Classification: Uncertain significance for LIM2-related condition. Last evaluated: 2024-07-17. Review status: no assertion criteria provided. Collection method: clinical testing. Allele origin: germline.
Comment: The LIM2 c.368T>C variant is predicted to result in the amino acid substitution p.Met123Thr. To our knowledge, this variant has not been reported in the literature. This variant is reported in 0.00088% of alleles in individuals of European (Non-Finnish) descent in gnomAD. At this time, the clinical significance of this variant is uncertain due to the absence of conclusive functional and genetic evidence.

NM_001161748.2(LIM2):c.242T>C (p.Met81Thr)

Gene: LIM2 (lens intrinsic membrane protein 2; minus strand). Cytogenetic location: 19q13.41.
Variant type: single nucleotide variant.
Coding change: c.242T>C on transcript NM_001161748.2 (MANE Select); coding-DNA position 242, T replaced by C.
Protein change: p.Met81Thr; replaces methionine 81 with threonine.
Molecular consequence: missense variant.
Genome position (GRCh38, 1-based): chr19:51,382,501, A>G on the plus strand (T>C on the coding strand, the complement: LIM2 is on the minus strand). VCF-style: chr19-51382501-A-G. GRCh37 (hg19) VCF-style: chr19-51885755-A-G.
Other names: c.368T>C, p.Met123Thr (NM_030657.4); short protein forms M123T, M81T.
Identifiers: ClinVar variation 3355284 (VCV003355284.1).